The following is an entry in ClinVar:

ClinVar aggregate classification (germline): Uncertain significance (1 of 4 stars; one submission).

gnomAD v4.1: 3 of 1,611,514 alleles (0.00019%); highest among the groups gnomAD compares: Non-Finnish European, 0.00025%; no homozygotes.

Submission:

Labcorp Genetics (formerly Invitae), Labcorp
Classification: Uncertain significance. Last evaluated: 2024-11-18. Review status: criteria provided, single submitter. Criteria: Invitae Variant Classification Sherloc (09022015). Collection method: clinical testing. Allele origin: germline.
Comment: This sequence change replaces glutamine, which is neutral and polar, with glutamic acid, which is acidic and polar, at codon 327 of the KMT2B protein (p.Gln327Glu). This variant is not present in population databases (gnomAD no frequency). This variant has not been reported in the literature in individuals affected with KMT2B-related conditions. Invitae Evidence Modeling of protein sequence and biophysical properties (such as structural, functional, and spatial information, amino acid conservation, physicochemical variation, residue mobility, and thermodynamic stability) indicates that this missense variant is not expected to disrupt KMT2B protein function with a negative predictive value of 95%. In summary, the available evidence is currently insufficient to determine the role of this variant in disease. Therefore, it has been classified as a Variant of Uncertain Significance.

NM_014727.3(KMT2B):c.979C>G (p.Gln327Glu)

Gene: KMT2B (lysine methyltransferase 2B; plus strand). Cytogenetic location: 19q13.12.
Variant type: single nucleotide variant.
Coding change: c.979C>G on transcript NM_014727.3 (MANE Select); coding-DNA position 979, C replaced by G.
Protein change: p.Gln327Glu; replaces glutamine 327 with glutamic acid.
Molecular consequence: missense variant.
Genome position (GRCh38, 1-based): chr19:35,720,326, C>G. VCF-style: chr19-35720326-C-G. GRCh37 (hg19) VCF-style: chr19-36211228-C-G.
Other names: short protein forms Q327E.
Identifiers: ClinVar variation 3631195 (VCV003631195.2).
Genomic context (GRCh38, chr19:35,720,326, plus strand): 5'-TTTGTTTCAAGGGCCAAAAAAGTAAAGATGGGACAATTGTCCTTGGGACTCGAATCAGGT[C>G]AAGGTCAAGGTCAACATGAGGAAAGTTGGCAGGATGTCCCCCAAAGAAGAGTTGGATCTG-3'
Protein context (NP_055542.1, residues 317-337): GQLSLGLESG[Gln327Glu]GQGQHEESWQ